The following is an entry in ClinVar:

NM_002294.3(LAMP2):c.*1589A>G

Gene: LAMP2 (lysosome associated membrane protein 2; minus strand). Cytogenetic location: Xq24.
Variant type: single nucleotide variant.
Coding change: c.*1589A>G on transcript NM_002294.3 (MANE Select); 1589 bases downstream of the stop codon, A replaced by G.
Molecular consequence: 3 prime UTR variant. On other transcripts: intron variant (1).
Genome position (GRCh38, 1-based): chrX:120,429,734, T>C on the plus strand (A>G on the coding strand, the complement: LAMP2 is on the minus strand). VCF-style: chrX-120429734-T-C. GRCh37 (hg19) VCF-style: chrX-119563589-T-C.
Other names: c.1094-1108A>G (NM_001122606.1).
Identifiers: ClinVar variation 367770 (VCV000367770.8), dbSNP rs73612906, ClinGen allele CA10645857.

ClinVar aggregate classification (germline): Benign. Review status: criteria provided, multiple submitters, no conflicts (2 of 4 stars). 2 submissions from 2 submitters: Benign (2). Last evaluated 2021-05-13.

Conditions:
Danon disease. Also called: ANTOPOL DISEASE; PSEUDOGLYCOGENOSIS II; GSD IIb; LYSOSOMAL GLYCOGEN STORAGE DISEASE WITHOUT ACID MALTASE DEFICIENCY; Glycogen Storage Disease Type IIb. Identifiers: Orphanet 34587, MedGen C0878677, MONDO:0010281, OMIM 300257.

Allele frequency attached by ClinVar (database versions not stated): gnomAD exomes 0.00228; gnomAD 0.02961 and 0.03180; 1000 Genomes Project 0.03152; 1000 Genomes Project 30x 0.03455; TOPMed 0.03507.
gnomAD v4.1: 4,782 of 751,952 alleles (0.64%); highest among the groups gnomAD compares: African/African-American, 10%; 183 homozygotes.

Submissions (2):

GeneDx
Classification: Benign. Last evaluated: 2021-05-13. Review status: criteria provided, single submitter. Criteria: GeneDx Variant Classification Process June 2021. Collection method: clinical testing. Allele origin: germline. Affected: yes.

Illumina Laboratory Services, Illumina
Classification: Benign for Danon disease. Last evaluated: 2018-01-13. Review status: criteria provided, single submitter. Criteria: ICSL Variant Classification Criteria 13 December 2019. Collection method: clinical testing. Allele origin: germline.
Comment: This variant was observed in the ICSL laboratory as part of a predisposition screen in an ostensibly healthy population. It had not been previously curated by ICSL or reported in the Human Gene Mutation Database (HGMD: prior to June 1st, 2018), and was therefore a candidate for classification through an automated scoring system. Utilizing variant allele frequency, disease prevalence and penetrance estimates, and inheritance mode, an automated score was calculated to assess if this variant is too frequent to cause the disease. Based on the score and internal cut-off values, a variant classified as benign is not then subjected to further curation. The score for this variant resulted in a classification of benign for this disease.